The following is an entry in ClinVar:

NM_024818.6(UBA5):c.431T>G (p.Phe144Cys)

Genes: NPHP3-ACAD11 (NPHP3-ACAD11 readthrough (NMD candidate); minus strand), UBA5 (ubiquitin like modifier activating enzyme 5; plus strand). Cytogenetic location: 3q22.1.
Variant type: single nucleotide variant.
Coding change: c.431T>G on transcript NM_024818.6 (MANE Select); coding-DNA position 431, T replaced by G.
Protein change: p.Phe144Cys; replaces phenylalanine 144 with cysteine.
Molecular consequence: missense variant.
Genome position (GRCh38, 1-based): chr3:132,670,221, T>G. VCF-style: chr3-132670221-T-G. GRCh37 (hg19) VCF-style: chr3-132389065-T-G.
Other names: c.263T>G, p.Phe88Cys (NM_001320210.2, NM_198329.4); c.161T>G, p.Phe54Cys (NM_001321238.2); c.95T>G, p.Phe32Cys (NM_001321239.1); short protein forms F144C, F32C, F54C, F88C.
Identifiers: ClinVar variation 1901585 (VCV001901585.7), dbSNP rs1370875310, ClinGen allele CA354573331.
Genomic context (GRCh38, chr3:132,670,221, plus strand): 5'-ATTACAGGCTTATAATCATTCCCTTTTTCCTTCTTAGGAACATTAATCCTGATGTTCTTT[T>G]TGAAGTACACAACTATAATATAACCACAGTGGAAAACTTTCAACATTTCATGGATAGAAT-3'
Protein context (NP_079094.1, residues 134-154): TLRNINPDVL[Phe144Cys]EVHNYNITTV

ClinVar aggregate classification (germline): Uncertain significance. Review status: criteria provided, multiple submitters, no conflicts (2 of 4 stars). 2 submissions from 2 submitters: Uncertain significance (2). Last evaluated 2023-06-27.

Allele frequency attached by ClinVar (database versions not stated): gnomAD 0.00001.
gnomAD v4.1: 2 of 1,504,936 alleles (0.00013%); highest among the groups gnomAD compares: Admixed American, 0.0017%; no homozygotes.

Submissions (2):

Labcorp Genetics (formerly Invitae), Labcorp
Classification: Uncertain significance. Last evaluated: 2023-06-27. Review status: criteria provided, single submitter. Criteria: Invitae Variant Classification Sherloc (09022015). Collection method: clinical testing. Allele origin: germline.
Comment: This variant has not been reported in the literature in individuals affected with UBA5-related conditions. In summary, the available evidence is currently insufficient to determine the role of this variant in disease. Therefore, it has been classified as a Variant of Uncertain Significance. Advanced modeling of protein sequence and biophysical properties (such as structural, functional, and spatial information, amino acid conservation, physicochemical variation, residue mobility, and thermodynamic stability) performed at Invitae indicates that this missense variant is not expected to disrupt UBA5 protein function. ClinVar contains an entry for this variant (Variation ID: 1901585). This variant is present in population databases (no rsID available, gnomAD 0.003%). This sequence change replaces phenylalanine, which is neutral and non-polar, with cysteine, which is neutral and slightly polar, at codon 144 of the UBA5 protein (p.Phe144Cys).

GeneDx
Classification: Uncertain significance. Last evaluated: 2022-07-26. Review status: criteria provided, single submitter. Criteria: GeneDx Variant Classification Process June 2021. Collection method: clinical testing. Allele origin: germline. Affected: yes.
Comment: Not observed at significant frequency in large population cohorts (gnomAD); In silico analysis supports that this missense variant has a deleterious effect on protein structure/function; Has not been previously published as pathogenic or benign to our knowledge